The following is an entry in ClinVar:

ClinVar aggregate classification (germline): Conflicting classifications of pathogenicity. Review status: criteria provided, conflicting classifications (1 of 4 stars). 3 submissions from 3 submitters: Uncertain significance (2); Likely benign (1). Last evaluated 2024-08-06.

Conditions:
Classic or attenuated familial adenomatous polyposis. Identifiers: MedGen CN372698, MONDO:0021057.
Familial adenomatous polyposis 1 (FAP1). Also called: FAMILIAL ADENOMATOUS POLYPOSIS 1, ATTENUATED; POLYPOSIS, ADENOMATOUS INTESTINAL. Identifiers: MedGen C2713442, MONDO:0021056, OMIM 175100. Disease mechanism: loss of function.

Submissions (3):

GeneDx
Classification: Uncertain significance. Last evaluated: 2024-08-06. Review status: criteria provided, single submitter. Criteria: GeneDx Variant Classification Process June 2021. Collection method: clinical testing. Allele origin: germline. Affected: yes.
Comment: Not observed at significant frequency in large population cohorts (gnomAD); In silico analysis indicates that this variant does not alter splicing; Has not been previously published as pathogenic or benign to our knowledge

Labcorp Genetics (formerly Invitae), Labcorp
Classification: Likely benign for Familial adenomatous polyposis 1. Last evaluated: 2024-02-20. Review status: criteria provided, single submitter. Criteria: Invitae Variant Classification Sherloc (09022015). Collection method: clinical testing. Allele origin: germline.

All of Us Research Program, National Institutes of Health
Classification: Uncertain significance for Classic or attenuated familial adenomatous polyposis. Last evaluated: 2023-04-03. Review status: criteria provided, single submitter. Criteria: ACMG Guidelines, 2015. Collection method: clinical testing. Allele origin: germline. Inheritance: Autosomal dominant inheritance. Observed: 1 variant allele, 1 heterozygote.
Comment: This variant causes a T to A nucleotide substitution at the -10 position of intron 13 of the APC gene. Splice site prediction tools suggest that this variant may not impact RNA splicing. To our knowledge, functional studies have not been reported for this variant. This variant has not been reported in individuals affected with hereditary cancer in the literature. This variant has not been identified in the general population by the Genome Aggregation Database (gnomAD). The available evidence is insufficient to determine the role of this variant in disease conclusively. Therefore, this variant is classified as a Variant of Uncertain Significance.

This study involves interpretation of variants in research participants for the purpose of population health screening. Participant phenotype was not available at the time of variant classification. Additional details can be found in publication PMID: 35346344, PMCID: PMC8962531

NM_000038.6(APC):c.1627-10T>A

Gene: APC (APC regulator of Wnt signaling pathway; plus strand). Cytogenetic location: 5q22.2.
Variant type: single nucleotide variant.
Coding change: c.1627-10T>A on transcript NM_000038.6 (MANE Select); 10 bases into the intron before coding-DNA position 1627, T replaced by A.
Molecular consequence: intron variant.
Genome position (GRCh38, 1-based): chr5:112,828,846, T>A. VCF-style: chr5-112828846-T-A. GRCh37 (hg19) VCF-style: chr5-112164543-T-A.
Other names: c.1627-10T>A (NM_001354895.2, NM_001127510.3); c.1657-10T>A (NM_001354897.2); c.1354-10T>A (NM_001354902.2); c.1573-10T>A (NM_001127511.3); c.1552-10T>A (NM_001354898.2); c.1249-10T>A (NM_001354904.2); c.778-10T>A (NM_001354906.2); c.1681-10T>A (NM_001354896.2); and 5 more.
Identifiers: ClinVar variation 650476 (VCV000650476.12), dbSNP rs863224538, ClinGen allele CA915942604.